The following is an entry in ClinVar:

ClinVar aggregate classification (germline): Uncertain significance (1 of 4 stars; one submission).

Conditions:
Kartagener syndrome (CILD1). Also called: POLYNESIAN BRONCHIECTASIS; CILIARY DYSKINESIA, PRIMARY, 1; CILIARY DYSKINESIA, PRIMARY, 1, WITH OR WITHOUT SITUS INVERSUS; Dextrocardia bronchiectasis and sinusitis; SIEWERT SYNDROME; IMMOTILE CILIA SYNDROME. Identifiers: Orphanet 244, MedGen C4551906, MONDO:0009484, OMIM 244400.

gnomAD v4.1: 9 of 1,614,088 alleles (0.00056%); highest among the groups gnomAD compares: Non-Finnish European, 0.00076%; no homozygotes.

Submission:

ARUP Laboratories, Molecular Genetics and Genomics, ARUP Laboratories
Classification: Uncertain significance for Kartagener syndrome. Last evaluated: 2024-04-10. Review status: criteria provided, single submitter. Criteria: ARUP Molecular Germline Variant Investigation Process 2024. Collection method: clinical testing. Allele origin: germline.
Comment: The DNAI1 c.100G>A; p.Glu34Lys variant (rs759050063), to our knowledge, is not reported in the medical literature or gene specific databases. This variant is found in the non-Finnish European population with an allele frequency of 0.0015% (2/129,196 alleles) in the Genome Aggregation Database (v2.1.1). Computational analyses predict that this variant is neutral (REVEL: 0.108). Due to limited information, the clinical significance of the p.Glu34Lys variant is uncertain at this time.

NM_012144.4(DNAI1):c.100G>A (p.Glu34Lys)

Gene: DNAI1 (dynein axonemal intermediate chain 1; plus strand). Cytogenetic location: 9p13.3.
Variant type: single nucleotide variant.
Coding change: c.100G>A on transcript NM_012144.4 (MANE Select); coding-DNA position 100, G replaced by A.
Protein change: p.Glu34Lys; replaces glutamic acid 34 with lysine.
Molecular consequence: missense variant.
Genome position (GRCh38, 1-based): chr9:34,485,160, G>A. VCF-style: chr9-34485160-G-A. GRCh37 (hg19) VCF-style: chr9-34485158-G-A.
Other names: c.100G>A, p.Glu34Lys (NM_001281428.2); short protein forms E34K.
Identifiers: ClinVar variation 3766555 (VCV003766555.1).